The following is an entry in ClinVar:

ClinVar aggregate classification (germline): Likely benign (1 of 4 stars; one submission).

Conditions:
RASopathy. Also called: rasopathies; Noonan spectrum disorder. Identifiers: Orphanet 536391, MedGen C5555857, MONDO:0021060.

Submission:

Clinical Molecular Genetics Laboratory, Johns Hopkins All Children's Hospital
Classification: Likely benign for Rasopathy. Last evaluated: 2019-05-23. Review status: criteria provided, single submitter. Criteria: ACMG Guidelines, 2015. Collection method: clinical testing. Allele origin: germline. Inheritance: Autosomal dominant inheritance. Affected: yes.

NM_152594.3(SPRED1):c.-294CT[2]

Gene: SPRED1 (sprouty related EVH1 domain containing 1; plus strand). Cytogenetic location: 15q14.
Variant type: Microsatellite.
Coding change: c.-294CT[2] on transcript NM_152594.3 (MANE Select); two copies in a row of the 2-base unit CT starting at c.-294; the reference has three copies in a row; one copy, 2 bases deleted.
Molecular consequence: 5 prime UTR variant.
Genome position (GRCh38, 1-based): chr15:38,252,896-38,252,897, CT deleted; deleting any 2 consecutive bases within chr15:38,252,892-38,252,897 gives the same sequence; the position shown is the placement nearest the transcript's 3' end. VCF-style (leftmost placement, unchanged base first): chr15-38252891-CCT-C. GRCh37 (hg19) VCF-style: chr15-38545092-CCT-C.
Identifiers: ClinVar variation 631554 (VCV000631554.1), dbSNP rs1048605006, ClinGen allele CA269282616.
Genomic context (GRCh38, chr15:38,252,891, plus strand): 5'-ACCCCGCTGCGCTCCACCCCAGTGGCTGGAGGAGCAGCTCTCCAGTCAGCCTTTGCAGCC[CCT>C]CTCTTTTTCCCTTTCCACCGGGCCTCCTCGGATCCCTTGGCTGGGCACTGAGGCGGGGGA-3'